The following is an entry in ClinVar:

NM_015662.3(IFT172):c.1222-1G>A

Gene: IFT172 (intraflagellar transport 172; minus strand). Cytogenetic location: 2p23.3.
Variant type: single nucleotide variant.
Coding change: c.1222-1G>A on transcript NM_015662.3 (MANE Select); the canonical splice acceptor site of the intron before coding-DNA position 1222, G replaced by A.
Molecular consequence: splice acceptor variant.
Genome position (GRCh38, 1-based): chr2:27,477,321, C>T on the plus strand (G>A on the coding strand, the complement: IFT172 is on the minus strand). VCF-style: chr2-27477321-C-T. GRCh37 (hg19) VCF-style: chr2-27700188-C-T.
Other names: c.1222-1G>A (NM_001410739.1).
Identifiers: ClinVar variation 3755241 (VCV003755241.2).

ClinVar aggregate classification (germline): Likely pathogenic (1 of 4 stars; one submission).

Conditions:
Short-rib thoracic dysplasia 10 with or without polydactyly (SRTD10). Identifiers: Orphanet 474, MedGen C3810175, MONDO:0014284, OMIM 615630.
Retinitis pigmentosa 71 (RP71). Identifiers: Orphanet 791, MedGen C4225342, MONDO:0014618, OMIM 616394.

Submission:

Labcorp Genetics (formerly Invitae), Labcorp
Classification: Likely pathogenic for Retinitis pigmentosa 71; Short-rib thoracic dysplasia 10 with or without polydactyly. Last evaluated: 2024-11-25. Review status: criteria provided, single submitter. Criteria: Invitae Variant Classification Sherloc (09022015). Collection method: clinical testing. Allele origin: germline.
Comment: This sequence change affects an acceptor splice site in intron 12 of the IFT172 gene. It is expected to disrupt RNA splicing. Variants that disrupt the donor or acceptor splice site typically lead to a loss of protein function (PMID: 16199547), and loss-of-function variants in IFT172 are known to be pathogenic (PMID: 24140113). This variant is present in population databases (no rsID available, gnomAD 0.0009%). This variant has not been reported in the literature in individuals affected with IFT172-related conditions. Algorithms developed to predict the effect of sequence changes on RNA splicing suggest that this variant may disrupt the consensus splice site. In summary, the currently available evidence indicates that the variant is pathogenic, but additional data are needed to prove that conclusively. Therefore, this variant has been classified as Likely Pathogenic.

Literature cited by the submitters: PubMed 16199547; PubMed 24140113.